The following is an entry in ClinVar:

NM_004725.4(BUB3):c.433G>A (p.Val145Met)

Gene: BUB3 (BUB3 mitotic checkpoint protein; plus strand). Cytogenetic location: 10q26.13.
Variant type: single nucleotide variant.
Coding change: c.433G>A on transcript NM_004725.4 (MANE Select); coding-DNA position 433, G replaced by A.
Protein change: p.Val145Met; replaces valine 145 with methionine.
Molecular consequence: missense variant.
Genome position (GRCh38, 1-based): chr10:123,160,422, G>A. VCF-style: chr10-123160422-G-A. GRCh37 (hg19) VCF-style: chr10-124919938-G-A.
Other names: c.433G>A, p.Val145Met (NM_001007793.3); short protein forms V145M.
Identifiers: ClinVar variation 3262315 (VCV003262315.1).
Genomic context (GRCh38, chr10:123,160,422, plus strand): 5'-CAGGCAAGAAGGTGATTTTTAGCAAGTTTTGATCTTTTTTAAAAGGTATATACCCTCTCA[G>A]TGTCTGGAGACCGGCTGATTGTGGGAACAGCAGGCCGCAGAGTGTTGGTGTGGGACTTAC-3'
Protein context (NP_004716.1, residues 135-155): SQPEKVYTLS[Val145Met]SGDRLIVGTA

ClinVar aggregate classification (germline): Uncertain significance (1 of 4 stars; one submission).

Submission:

Ambry Genetics
Classification: Uncertain significance. Last evaluated: 2024-06-08. Review status: criteria provided, single submitter. Criteria: Ambry Variant Classification Scheme 2023. Collection method: clinical testing. Allele origin: germline.
Comment: The p.V145M variant (also known as c.433G>A), located in coding exon 4 of the BUB3 gene, results from a G to A substitution at nucleotide position 433. The valine at codon 145 is replaced by methionine, an amino acid with highly similar properties. This amino acid position is conserved. In addition, the in silico prediction for this alteration is inconclusive. Based on the available evidence, the clinical significance of this variant remains unclear.